The following is an entry in ClinVar:

NM_000548.5(TSC2):c.1036A>G (p.Ile346Val)

Gene: TSC2 (TSC complex subunit 2; plus strand). Cytogenetic location: 16p13.3.
Variant type: single nucleotide variant.
Coding change: c.1036A>G on transcript NM_000548.5 (MANE Select); coding-DNA position 1036, A replaced by G.
Protein change: p.Ile346Val; replaces isoleucine 346 with valine.
Molecular consequence: missense variant.
Genome position (GRCh38, 1-based): chr16:2,060,730, A>G. VCF-style: chr16-2060730-A-G. GRCh37 (hg19) VCF-style: chr16-2110731-A-G.
Other names: c.1036A>G, p.Ile346Val (NM_001077183.3, NM_001114382.3, NM_001363528.2 and 3 more transcripts); c.925A>G, p.Ile309Val (NM_001318827.2); c.889A>G, p.Ile297Val (NM_001318829.2); c.436A>G, p.Ile146Val (NM_001318831.2); c.1069A>G, p.Ile357Val (NM_001318832.2); short protein forms I346V, I309V, I357V, I146V, I297V.
Identifiers: ClinVar variation 406037 (VCV000406037.17), dbSNP rs768760795, ClinGen allele CA16615037.

ClinVar aggregate classification (germline): Conflicting classifications of pathogenicity. Review status: criteria provided, conflicting classifications (1 of 4 stars). 3 submissions from 3 submitters: Uncertain significance (1); Benign (1); Likely benign (1). Last evaluated 2026-04-23.

Conditions:
Hereditary cancer-predisposing syndrome. Also called: Hereditary Cancer Syndrome; Tumor predisposition; Hereditary neoplastic syndrome; Neoplastic Syndromes, Hereditary. Identifiers: Orphanet 140162, MedGen C0027672, MeSH D009386, MONDO:0015356.
Tuberous sclerosis syndrome (TSC). Also called: Tuberous Sclerosis Complex; Tuberous sclerosis. Identifiers: Orphanet 805, MedGen C0041341, MONDO:0001734.
Tuberous sclerosis 2 (TSC2). Identifiers: Orphanet 805, MedGen C1860707, MONDO:0013199, OMIM 613254.

Allele frequency attached by ClinVar (database versions not stated): gnomAD exomes below 0.00001; TOPMed below 0.00001.
gnomAD v4.1: 6 of 1,614,056 alleles (0.00037%); highest among the groups gnomAD compares: Non-Finnish European, 0.00051%; no homozygotes.

Submissions (3):

Ambry Genetics
Classification: Likely benign for Hereditary cancer-predisposing syndrome. Last evaluated: 2026-04-23. Review status: criteria provided, single submitter. Criteria: Ambry Variant Classification Scheme 2023. Collection method: clinical testing. Allele origin: germline.

Labcorp Genetics (formerly Invitae), Labcorp
Classification: Benign for Tuberous sclerosis 2. Last evaluated: 2025-11-17. Review status: criteria provided, single submitter. Criteria: Invitae Variant Classification Sherloc (09022015). Collection method: clinical testing. Allele origin: germline.

Color Diagnostics, LLC DBA Color Health
Classification: Uncertain significance for Tuberous sclerosis syndrome. Last evaluated: 2025-07-25. Review status: criteria provided, single submitter. Criteria: ACMG Guidelines, 2015. Collection method: clinical testing. Allele origin: germline.
Comment: This missense variant replaces isoleucine with valine at codon 346 of the TSC2 protein. Computational prediction suggests that this variant may not impact protein structure and function. To our knowledge, functional studies have not been reported for this variant. This variant has not been reported in individuals affected with TSC2-related disorders in the literature. This variant has been identified in 2/251360 chromosomes in the general population by the Genome Aggregation Database (gnomAD). The available evidence is insufficient to determine the role of this variant in disease conclusively. Therefore, this variant is classified as a Variant of Uncertain Significance.